The following is an entry in ClinVar:

NM_001374736.1(DST):c.2859+1G>A

Gene: DST (dystonin; minus strand). Cytogenetic location: 6p12.1.
Variant type: single nucleotide variant.
Coding change: c.2859+1G>A on transcript NM_001374736.1 (MANE Select); the canonical splice donor site of the intron after coding-DNA position 2859, G replaced by A.
Molecular consequence: splice donor variant.
Genome position (GRCh38, 1-based): chr6:56,639,449, C>T on the plus strand (G>A on the coding strand, the complement: DST is on the minus strand). VCF-style: chr6-56639449-C-T. GRCh37 (hg19) VCF-style: chr6-56504247-C-T.
Other names: c.2760+1G>A (NM_001144769.5); c.2859+1G>A (NM_001374722.1); c.2886+1G>A (NM_001374734.1); c.2346+1G>A (NM_001144770.2); c.2226+1G>A (NM_001374730.1, NM_001386100.1, NM_183380.4 and 1 more transcripts); c.1248+1G>A (NM_015548.5, NM_001723.7).
Identifiers: ClinVar variation 3760349 (VCV003760349.2).

ClinVar aggregate classification (germline): Likely pathogenic (1 of 4 stars; one submission).

Conditions:
Epidermolysis bullosa simplex 3, localized or generalized intermediate, with BP230 deficiency (EBS3). Also called: Epidermolysis bullosa simplex due to BP230 deficiency; Epidermolysis bullosa simplex, autosomal recessive 2. Identifiers: Orphanet 412181, MedGen C3809470, MONDO:0014180, OMIM 615425.
Hereditary sensory and autonomic neuropathy type 6. Also called: Neuropathy, hereditary sensory and autonomic, type VI; HSAN VI. Identifiers: Orphanet 314381, MedGen C3539003, MONDO:0013839, OMIM 614653.

Submission:

Labcorp Genetics (formerly Invitae), Labcorp
Classification: Likely pathogenic for Epidermolysis bullosa simplex 3, localized or generalized intermediate, with BP230 deficiency; Hereditary sensory and autonomic neuropathy type 6. Last evaluated: 2025-01-19. Review status: criteria provided, single submitter. Criteria: Invitae Variant Classification Sherloc (09022015). Collection method: clinical testing. Allele origin: germline.
Comment: This sequence change affects a donor splice site in intron 7 of the DST gene. It is expected to disrupt RNA splicing. Variants that disrupt the donor or acceptor splice site typically lead to a loss of protein function (PMID: 16199547), and loss-of-function variants in DST are known to be pathogenic (PMID: 22522446, 25059916, 30371979). This variant is not present in population databases (gnomAD no frequency). This variant has not been reported in the literature in individuals affected with DST-related conditions. Algorithms developed to predict the effect of sequence changes on RNA splicing suggest that this variant may disrupt the consensus splice site. In summary, the currently available evidence indicates that the variant is pathogenic, but additional data are needed to prove that conclusively. Therefore, this variant has been classified as Likely Pathogenic.

Literature cited by the submitters: PubMed 16199547; PubMed 22522446; PubMed 25059916; PubMed 30371979.